The following is an entry in ClinVar:

NM_001367873.1(SOX6):c.1253A>G (p.Asp418Gly)

Gene: SOX6 (SRY-box transcription factor 6; minus strand). Cytogenetic location: 11p15.2.
Variant type: single nucleotide variant.
Coding change: c.1253A>G on transcript NM_001367873.1 (MANE Select); coding-DNA position 1253, A replaced by G.
Protein change: p.Asp418Gly; replaces aspartic acid 418 with glycine.
Molecular consequence: missense variant.
Genome position (GRCh38, 1-based): chr11:16,049,937, T>C on the plus strand (A>G on the coding strand, the complement: SOX6 is on the minus strand). VCF-style: chr11-16049937-T-C. GRCh37 (hg19) VCF-style: chr11-16071483-T-C.
Other names: c.1130A>G, p.Asp377Gly (NM_001145811.2, NM_001367872.1, NM_017508.3); c.1253A>G, p.Asp418Gly (NM_001145819.2, NM_033326.3); short protein forms D377G, D418G.
Identifiers: ClinVar variation 4076198 (VCV004076198.1).

ClinVar aggregate classification (germline): Uncertain significance (1 of 4 stars; one submission).

Conditions:
Tolchin-Le Caignec syndrome. Also called: INTELLECTUAL DEVELOPMENTAL DISORDER WITH BEHAVIORAL ABNORMALITIES AND VARIABLE BONE DEFECTS. Identifiers: MedGen C5436509, MONDO:0033544, OMIM 618971.

gnomAD v4.1: 1 of 1,613,688 alleles (0.000062%); highest among the groups gnomAD compares: East Asian, 0.0022%; no homozygotes.

Submission:

Laboratorio de Genetica e Diagnostico Molecular, Hospital Israelita Albert Einstein
Classification: Uncertain significance for Tolchin-Le Caignec syndrome. Last evaluated: 2024-10-21. Review status: criteria provided, single submitter. Criteria: ACMG Guidelines, 2015. Collection method: clinical testing. Allele origin: germline. Affected: yes.
Comment: ACMG classification criteria: PM2 supporting, PP2 supporting, PP3 supporting